The following is an entry in ClinVar:

NM_000350.3(ABCA4):c.4414C>T (p.Gln1472Ter)

Gene: ABCA4 (ATP binding cassette subfamily A member 4; minus strand). Cytogenetic location: 1p22.1.
Variant type: single nucleotide variant.
Coding change: c.4414C>T on transcript NM_000350.3 (MANE Select); coding-DNA position 4414, C replaced by T.
Protein change: p.Gln1472Ter; replaces glutamine 1472 with a stop codon.
Molecular consequence: nonsense.
Genome position (GRCh38, 1-based): chr1:94,029,570, G>A on the plus strand (C>T on the coding strand, the complement: ABCA4 is on the minus strand). VCF-style: chr1-94029570-G-A. GRCh37 (hg19) VCF-style: chr1-94495126-G-A.
Other names: c.4192C>T, p.Gln1398Ter (NM_001425324.1); short protein forms Q1398*, Q1472*.
Identifiers: ClinVar variation 2710431 (VCV002710431.3), dbSNP rs2523723325, ClinGen allele CA341285160.
Genomic context (GRCh38, chr1:94,029,570, plus strand): 5'-TGCTGCACCTGCAGGATGGTGAAGGGTTGACCTGTGTCCATTTCTGCTTCTGGAACAGCT[G>A]GGTGATGTTTGGGGACACAGAAGGAGTCTTCCAGGGTGTTGAGTTGCCACAGGGGTACTC-3'

ClinVar aggregate classification (germline): Pathogenic (1 of 4 stars; one submission).

Submission:

Labcorp Genetics (formerly Invitae), Labcorp
Classification: Pathogenic. Last evaluated: 2024-01-27. Review status: criteria provided, single submitter. Criteria: Invitae Variant Classification Sherloc (09022015). Collection method: clinical testing. Allele origin: germline.
Comment: This sequence change creates a premature translational stop signal (p.Gln1472*) in the ABCA4 gene. It is expected to result in an absent or disrupted protein product. Loss-of-function variants in ABCA4 are known to be pathogenic (PMID: 10958761, 24938718, 25312043, 26780318). This variant is not present in population databases (gnomAD no frequency). This variant has not been reported in the literature in individuals affected with ABCA4-related conditions. For these reasons, this variant has been classified as Pathogenic.

Literature cited by the submitters: PubMed 10958761; PubMed 24938718; PubMed 25312043; PubMed 26780318.